The following is an entry in ClinVar:

ClinVar aggregate classification (germline): Uncertain significance. Review status: criteria provided, multiple submitters, no conflicts (2 of 4 stars). 2 submissions from 2 submitters: Uncertain significance (2). Last evaluated 2025-12-17.

Allele frequency attached by ClinVar (database versions not stated): ExAC 0.00009; TOPMed 0.00009; gnomAD 0.00015.
gnomAD v4.1: 282 of 1,524,806 alleles (0.018%); highest among the groups gnomAD compares: Non-Finnish European, 0.021%; no homozygotes.

Submissions (2):

Labcorp Genetics (formerly Invitae), Labcorp
Classification: Uncertain significance. Last evaluated: 2025-12-17. Review status: criteria provided, single submitter. Criteria: Invitae Variant Classification Sherloc (09022015). Collection method: clinical testing. Allele origin: germline.
Comment: This sequence change replaces phenylalanine, which is neutral and non-polar, with valine, which is neutral and non-polar, at codon 11 of the IL17RD protein (p.Phe11Val). This variant is present in population databases (rs766025040, gnomAD 0.06%), and has an allele count higher than expected for a pathogenic variant. This variant has not been reported in the literature in individuals affected with IL17RD-related conditions. ClinVar contains an entry for this variant (Variation ID: 1990461). An algorithm developed to predict the effect of missense changes on protein structure and function (PolyPhen-2) suggests that this variant is likely to be tolerated. In summary, the available evidence is currently insufficient to determine the role of this variant in disease. Therefore, it has been classified as a Variant of Uncertain Significance.

Women's Health and Genetics/Laboratory Corporation of America, LabCorp
Classification: Uncertain significance. Last evaluated: 2023-05-23. Review status: criteria provided, single submitter. Criteria: LabCorp Variant Classification Summary - May 2015. Collection method: clinical testing. Allele origin: germline.
Comment: Variant summary: IL17RD c.31T>G (p.Phe11Val) results in a non-conservative amino acid change in the encoded protein sequence. Four of five in-silico tools predict a benign effect of the variant on protein function. The variant allele was found at a frequency of 0.00018 in 114476 control chromosomes (gnomAD). To our knowledge, no occurrence of c.31T>G in individuals affected with Hypogonadotropic Hypogonadism 18 With Or Without Anosmia and no experimental evidence demonstrating its impact on protein function have been reported. One clinical diagnostic laboratory has submitted a clinical-significance assessment for this variant to ClinVar after 2014 and classified the variant as uncertain significance. Based on the evidence outlined above, the variant was classified as uncertain significance.

NM_017563.5(IL17RD):c.31T>G (p.Phe11Val)

Genes: IL17RD (interleukin 17 receptor D; minus strand), LOC129936924 (ATAC-STARR-seq lymphoblastoid silent region 14478; plus strand). Cytogenetic location: 3p14.3.
Variant type: single nucleotide variant.
Coding change: c.31T>G on transcript NM_017563.5 (MANE Select); coding-DNA position 31, T replaced by G.
Protein change: p.Phe11Val; replaces phenylalanine 11 with valine.
Molecular consequence: missense variant. On other transcripts: intron variant (1).
Genome position (GRCh38, 1-based): chr3:57,165,256, A>C on the plus strand (T>G on the coding strand, the complement: IL17RD is on the minus strand). VCF-style: chr3-57165256-A-C. GRCh37 (hg19) VCF-style: chr3-57199284-A-C.
Other names: c.31T>G, p.Phe11Val (NM_001080973.1); c.-307+3976T>G (NM_001318864.2); c.31T>G (NM_017563.4); short protein forms F11V.
Identifiers: ClinVar variation 1990461 (VCV001990461.5), dbSNP rs766025040, ClinGen allele CA2463195.